The following is an entry in ClinVar:

ClinVar aggregate classification (germline): Uncertain significance (1 of 4 stars; one submission).

Conditions:
Welander distal myopathy (WDM). Also called: MUSCULAR DYSTROPHY, DISTAL, LATE-ONSET, AUTOSOMAL DOMINANT; Welander distal myopathy, Swedish type; Distal myopathy, Swedish type; Gower's muscular dystrophy. Identifiers: Orphanet 603, MedGen C0221054, MONDO:0011466, OMIM 604454.

Allele frequency attached by ClinVar (database versions not stated): gnomAD exomes below 0.00001; ExAC 0.00001.
gnomAD v4.1: 5 of 1,614,044 alleles (0.00031%); highest among the groups gnomAD compares: South Asian, 0.0055%; no homozygotes.

Submission:

Labcorp Genetics (formerly Invitae), Labcorp
Classification: Uncertain significance for Welander distal myopathy. Last evaluated: 2023-06-22. Review status: criteria provided, single submitter. Criteria: Invitae Variant Classification Sherloc (09022015). Collection method: clinical testing. Allele origin: germline.
Comment: This variant has not been reported in the literature in individuals affected with TIA1-related conditions. This variant is present in population databases (rs775706428, gnomAD 0.01%). This sequence change replaces serine, which is neutral and polar, with glycine, which is neutral and non-polar, at codon 212 of the TIA1 protein (p.Ser212Gly). Advanced modeling of protein sequence and biophysical properties (such as structural, functional, and spatial information, amino acid conservation, physicochemical variation, residue mobility, and thermodynamic stability) performed at Invitae indicates that this missense variant is not expected to disrupt TIA1 protein function. In summary, the available evidence is currently insufficient to determine the role of this variant in disease. Therefore, it has been classified as a Variant of Uncertain Significance.

NM_022173.4(TIA1):c.634A>G (p.Ser212Gly)

Gene: TIA1 (TIA1 cytotoxic granule associated RNA binding protein; minus strand). Cytogenetic location: 2p13.3.
Variant type: single nucleotide variant.
Coding change: c.634A>G on transcript NM_022173.4 (MANE Select); coding-DNA position 634, A replaced by G.
Protein change: p.Ser212Gly; replaces serine 212 with glycine.
Molecular consequence: missense variant. On other transcripts: non-coding transcript variant (17).
Genome position (GRCh38, 1-based): chr2:70,216,449, T>C on the plus strand (A>G on the coding strand, the complement: TIA1 is on the minus strand). VCF-style: chr2-70216449-T-C. GRCh37 (hg19) VCF-style: chr2-70443581-T-C.
Other names: c.634A>G, p.Ser212Gly (NM_001351508.2, NM_001351516.2); c.607A>G, p.Ser203Gly (NM_001351509.2); c.601A>G, p.Ser201Gly (NM_001351510.2, NM_022037.4); c.523A>G, p.Ser175Gly (NM_001351511.1); c.496A>G, p.Ser166Gly (NM_001351512.1); c.490A>G, p.Ser164Gly (NM_001351513.1); c.406A>G, p.Ser136Gly (NM_001351514.2); c.331A>G, p.Ser111Gly (NM_001351515.2); and 1 more; short protein forms S136G, S175G, S164G, S201G, S72G, S111G, S166G, S203G.
Identifiers: ClinVar variation 2754900 (VCV002754900.3), dbSNP rs775706428, ClinGen allele CA1697510.